The following is an entry in ClinVar:

NM_001999.4(FBN2):c.3139G>A (p.Glu1047Lys)

Genes: FBN2 (fibrillin 2; minus strand), LOC126807501 (BRD4-independent group 4 enhancer GRCh37_chr5:127680731-127681930; plus strand). Cytogenetic location: 5q23.3.
Variant type: single nucleotide variant.
Coding change: c.3139G>A on transcript NM_001999.4 (MANE Select); coding-DNA position 3139, G replaced by A.
Protein change: p.Glu1047Lys; replaces glutamic acid 1047 with lysine.
Molecular consequence: missense variant.
Genome position (GRCh38, 1-based): chr5:128,345,435, C>T on the plus strand (G>A on the coding strand, the complement: FBN2 is on the minus strand). VCF-style: chr5-128345435-C-T. GRCh37 (hg19) VCF-style: chr5-127681127-C-T.
Other names: short protein forms E1047K.
Identifiers: ClinVar variation 1701483 (VCV001701483.32), dbSNP rs149691045, ClinGen allele CA3395321.
Genomic context (GRCh38, chr5:128,345,435, plus strand): 5'-CAGTAAGAACATCCCCTCGGTTAGCAAAGCCAGCCCCGCGGGGGCACAGCGTCTCGTATT[C>T]CTTGGTGCCAGGTTTGGGGCACTCCTCACACTCGGTGCCCCAAGCCGCCCCGACAGCACA-3'
Protein context (NP_001990.2, residues 1037-1057): CEECPKPGTK[Glu1047Lys]YETLCPRGAG

ClinVar aggregate classification (germline): Uncertain significance. Review status: criteria provided, multiple submitters, no conflicts (2 of 4 stars). 2 submissions from 2 submitters: Uncertain significance (2). Last evaluated 2025-08-03.

Conditions:
Congenital contractural arachnodactyly (CCA). Also called: Beals-Hecht syndrome; Arthrogryposis, distal, type 9; BEALS SYNDROME. Identifiers: Orphanet 115, MedGen C0220668, MONDO:0007363, OMIM 121050.

Allele frequency attached by ClinVar (database versions not stated): gnomAD exomes below 0.00001 and 0.00002; ExAC 0.00001; ESP Exome Variant Server 0.00008.
gnomAD v4.1: 6 of 1,614,156 alleles (0.00037%); highest among the groups gnomAD compares: Non-Finnish European, 0.00051%; no homozygotes.

Submissions (2):

Labcorp Genetics (formerly Invitae), Labcorp
Classification: Uncertain significance for Congenital contractural arachnodactyly. Last evaluated: 2025-08-03. Review status: criteria provided, single submitter. Criteria: Invitae Variant Classification Sherloc (09022015). Collection method: clinical testing. Allele origin: germline.
Comment: This sequence change replaces glutamic acid, which is acidic and polar, with lysine, which is basic and polar, at codon 1047 of the FBN2 protein (p.Glu1047Lys). This variant is present in population databases (rs149691045, gnomAD 0.004%). This variant has not been reported in the literature in individuals affected with FBN2-related conditions. ClinVar contains an entry for this variant (Variation ID: 1701483). Invitae Evidence Modeling of protein sequence and biophysical properties (such as structural, functional, and spatial information, amino acid conservation, physicochemical variation, residue mobility, and thermodynamic stability) indicates that this missense variant is not expected to disrupt FBN2 protein function with a negative predictive value of 80%. In summary, the available evidence is currently insufficient to determine the role of this variant in disease. Therefore, it has been classified as a Variant of Uncertain Significance.

CeGaT Center for Human Genetics Tuebingen
Classification: Uncertain significance. Last evaluated: 2019-07-01. Review status: criteria provided, single submitter. Criteria: CeGaT Center For Human Genetics Tuebingen Variant Classification Criteria Version 2. Collection method: clinical testing. Allele origin: germline. Affected: yes. Observed: 1 variant allele.